The following is an entry in ClinVar:

NM_004369.4(COL6A3):c.5917+109G>A

Gene: COL6A3 (collagen type VI alpha 3 chain; minus strand). Cytogenetic location: 2q37.3.
Variant type: single nucleotide variant.
Coding change: c.5917+109G>A on transcript NM_004369.4 (MANE Select); 109 bases into the intron after coding-DNA position 5917, G replaced by A.
Molecular consequence: intron variant.
Genome position (GRCh38, 1-based): chr2:237,364,241, C>T on the plus strand (G>A on the coding strand, the complement: COL6A3 is on the minus strand). VCF-style: chr2-237364241-C-T. GRCh37 (hg19) VCF-style: chr2-238272884-C-T.
Other names: c.4096+109G>A (NM_057166.5); c.5299+109G>A (NM_057167.4).
Identifiers: ClinVar variation 679530 (VCV000679530.1), dbSNP rs75087401, ClinGen allele CA67857597.

ClinVar aggregate classification (germline): Likely benign (1 of 4 stars; one submission).

Allele frequency attached by ClinVar (database versions not stated): gnomAD exomes 0.00080; 1000 Genomes Project 0.00619; gnomAD 0.00671 and 0.00723; 1000 Genomes Project 30x 0.00703; TOPMed 0.00732.
gnomAD v4.1: 1,628 of 869,432 alleles (0.19%); highest among the groups gnomAD compares: African/African-American, 2.3%; 13 homozygotes.

Submission:

GeneDx
Classification: Likely benign. Last evaluated: 2018-06-16. Review status: criteria provided, single submitter. Criteria: GeneDx Variant Classification (06012015). Collection method: clinical testing. Allele origin: germline. Affected: yes.
Comment: This variant is considered likely benign or benign based on one or more of the following criteria: it is a conservative change, it occurs at a poorly conserved position in the protein, it is predicted to be benign by multiple in silico algorithms, and/or has population frequency not consistent with disease.